The following is an entry in ClinVar:

NM_001040167.2(LFNG):c.661C>T (p.Arg221Trp)

Gene: LFNG (LFNG O-fucosylpeptide 3-beta-N-acetylglucosaminyltransferase; plus strand). Cytogenetic location: 7p22.3.
Variant type: single nucleotide variant.
Coding change: c.661C>T on transcript NM_001040167.2 (MANE Select); coding-DNA position 661, C replaced by T.
Protein change: p.Arg221Trp; replaces arginine 221 with tryptophan.
Molecular consequence: missense variant.
Genome position (GRCh38, 1-based): chr7:2,525,493, C>T. VCF-style: chr7-2525493-C-T. GRCh37 (hg19) VCF-style: chr7-2565127-C-T.
Other names: c.661C>T, p.Arg221Trp (NM_001040168.2); c.448C>T, p.Arg150Trp (NM_001166355.2); c.274C>T, p.Arg92Trp (NM_002304.3); short protein forms R150W, R221W, R92W.
Identifiers: ClinVar variation 1479087 (VCV001479087.8), dbSNP rs377387325, ClinGen allele CA4127065.

ClinVar aggregate classification (germline): Uncertain significance (1 of 4 stars; one submission).

Conditions:
Spondylocostal dysostosis 3, autosomal recessive (SCDO3). Also called: LFNG-Related Spondylocostal Dysostosis, Autosomal Recessive. Identifiers: Orphanet 2311, MedGen C1853296, MONDO:0012349, OMIM 609813.

Allele frequency attached by ClinVar (database versions not stated): gnomAD exomes 0.00002; gnomAD 0.00003 and 0.00004; ESP Exome Variant Server 0.00008.
gnomAD v4.1: 32 of 1,612,282 alleles (0.002%); highest among the groups gnomAD compares: African/African-American, 0.011%; no homozygotes.

Submission:

Labcorp Genetics (formerly Invitae), Labcorp
Classification: Uncertain significance for Spondylocostal dysostosis 3, autosomal recessive. Last evaluated: 2022-07-19. Review status: criteria provided, single submitter. Criteria: Invitae Variant Classification Sherloc (09022015). Collection method: clinical testing. Allele origin: germline.
Comment: In summary, the available evidence is currently insufficient to determine the role of this variant in disease. Therefore, it has been classified as a Variant of Uncertain Significance. Algorithms developed to predict the effect of missense changes on protein structure and function are either unavailable or do not agree on the potential impact of this missense change (SIFT: "Deleterious"; PolyPhen-2: "Benign"; Align-GVGD: "Class C0"). ClinVar contains an entry for this variant (Variation ID: 1479087). This variant has not been reported in the literature in individuals affected with LFNG-related conditions. This variant is present in population databases (rs377387325, gnomAD 0.01%). This sequence change replaces arginine, which is basic and polar, with tryptophan, which is neutral and slightly polar, at codon 221 of the LFNG protein (p.Arg221Trp).